The following is an entry in ClinVar:

NM_002834.5(PTPN11):c.940T>C (p.Phe314Leu)

Gene: PTPN11 (protein tyrosine phosphatase non-receptor type 11; plus strand). Cytogenetic location: 12q24.13.
Variant type: single nucleotide variant.
Coding change: c.940T>C on transcript NM_002834.5 (MANE Select); coding-DNA position 940, T replaced by C.
Protein change: p.Phe314Leu; replaces phenylalanine 314 with leucine.
Molecular consequence: missense variant.
Genome position (GRCh38, 1-based): chr12:112,477,863, T>C. VCF-style: chr12-112477863-T-C. GRCh37 (hg19) VCF-style: chr12-112915667-T-C.
Other names: c.940T>C (NM_002834.3); c.940T>C, p.Phe314Leu (NM_001330437.2, NM_080601.3); c.937T>C, p.Phe313Leu (NM_001374625.1); short protein forms F314L, F313L.
Identifiers: ClinVar variation 620593 (VCV000620593.5), dbSNP rs968167995, ClinGen allele CA243712000.
Genomic context (GRCh38, chr12:112,477,863, plus strand): 5'-ATGTCCTGAAAGTAACTTTAAGGTGTTTGAAGGATTTTCTTCCTAAATTTCTAGCCTGAA[T>C]TTGAAACCAAGTGCAACAATTCAAAGCCCAAAAAGAGTTACATTGCCACACAAGGCTGCC-3'
Protein context (NP_002825.3, residues 304-324): YINANIIMPE[Phe314Leu]ETKCNNSKPK

ClinVar aggregate classification (germline): Uncertain significance. Review status: criteria provided, multiple submitters, no conflicts (2 of 4 stars). 3 submissions from 3 submitters: Uncertain significance (3). Last evaluated 2025-09-02.

Conditions:
Cardiovascular phenotype. Identifiers: MedGen CN230736.
Noonan syndrome (NS). Also called: Noonan's syndrome. Identifiers: Orphanet 648, MedGen C0028326, MeSH D009634, MONDO:0018997. Disease mechanism: gain of function.
RASopathy. Also called: rasopathies; Noonan spectrum disorder. Identifiers: Orphanet 536391, MedGen C5555857, MONDO:0021060.

Allele frequency attached by ClinVar (database versions not stated): gnomAD 0.00001.
gnomAD v4.1: 1 of 1,614,076 alleles (0.000062%); highest among the groups gnomAD compares: African/African-American, 0.0013%; no homozygotes.

Submissions (3):

Labcorp Genetics (formerly Invitae), Labcorp
Classification: Uncertain significance for RASopathy. Last evaluated: 2025-09-02. Review status: criteria provided, single submitter. Criteria: Invitae Variant Classification Sherloc (09022015). Collection method: clinical testing. Allele origin: germline.
Comment: This sequence change replaces phenylalanine, which is neutral and non-polar, with leucine, which is neutral and non-polar, at codon 314 of the PTPN11 protein (p.Phe314Leu). This variant is not present in population databases (gnomAD no frequency). This variant has not been reported in the literature in individuals affected with PTPN11-related conditions. ClinVar contains an entry for this variant (Variation ID: 620593). Invitae Evidence Modeling of protein sequence and biophysical properties (such as structural, functional, and spatial information, amino acid conservation, physicochemical variation, residue mobility, and thermodynamic stability) indicates that this missense variant is not expected to disrupt PTPN11 protein function with a negative predictive value of 95%. In summary, the available evidence is currently insufficient to determine the role of this variant in disease. Therefore, it has been classified as a Variant of Uncertain Significance.

Ambry Genetics
Classification: Uncertain significance for Cardiovascular phenotype. Last evaluated: 2024-12-16. Review status: criteria provided, single submitter. Criteria: Ambry Variant Classification Scheme 2023. Collection method: clinical testing. Allele origin: germline.
Comment: The p.F314L variant (also known as c.940T>C), located in coding exon 9 of the PTPN11 gene, results from a T to C substitution at nucleotide position 940. The phenylalanine at codon 314 is replaced by leucine, an amino acid with highly similar properties. This amino acid position is well conserved in available vertebrate species. In addition, this alteration is predicted to be tolerated by in silico analysis. Based on the available evidence, the clinical significance of this variant remains unclear.

St. Jude Molecular Pathology, St. Jude Children's Research Hospital
Classification: Uncertain significance for Noonan syndrome. Last evaluated: 2020-09-22. Review status: criteria provided, single submitter. Criteria: St. Jude Assertion Criteria 2020. Collection method: clinical testing. Allele origin: germline.